The following is an entry in ClinVar:

ClinVar aggregate classification (germline): Uncertain significance. Review status: criteria provided, multiple submitters, no conflicts (2 of 4 stars). 2 submissions from 2 submitters: Uncertain significance (2). Last evaluated 2022-04-28.

Conditions:
Joubert syndrome 17 (JBTS17). Identifiers: Orphanet 475, MedGen C3553264, MONDO:0013824, OMIM 614615.
Orofaciodigital syndrome type 6 (OFD6). Also called: OFDS VI; POLYDACTYLY, CLEFT LIP/PALATE OR LINGUAL LUMP, AND PSYCHOMOTOR RETARDATION; VARADI SYNDROME; VARADI-PAPP SYNDROME; Oral-facial-digital syndrome type 6; Central polydactyly cleft lip/palate or lingual lump and psychomotor retardation. Identifiers: Orphanet 2754, MedGen C2745997, MONDO:0010176, OMIM 277170.

Allele frequency attached by ClinVar (database versions not stated): TOPMed below 0.00001; ExAC 0.00001; gnomAD exomes 0.00001 and 0.00002.
gnomAD v4.1: 23 of 1,614,230 alleles (0.0014%); highest among the groups gnomAD compares: Non-Finnish European, 0.0019%; no homozygotes.

Submissions (2):

Fulgent Genetics
Classification: Uncertain significance for Orofaciodigital syndrome type 6; Joubert syndrome 17. Last evaluated: 2022-04-28. Review status: criteria provided, single submitter. Criteria: ACMG Guidelines, 2015. Collection method: clinical testing. Allele origin: unknown.

GeneDx
Classification: Uncertain significance. Last evaluated: 2022-03-11. Review status: criteria provided, single submitter. Criteria: GeneDx Variant Classification Process June 2021. Collection method: clinical testing. Allele origin: germline. Affected: yes.
Comment: Not observed at a significant frequency in large population cohorts (gnomAD); In silico analysis supports that this missense variant does not alter protein structure/function; Has not been previously published as pathogenic or benign to our knowledge

NM_001384732.1(CPLANE1):c.9467A>G (p.Gln3156Arg)

Gene: CPLANE1 (ciliogenesis and planar polarity effector complex subunit 1; minus strand). Cytogenetic location: 5p13.2.
Variant type: single nucleotide variant.
Coding change: c.9467A>G on transcript NM_001384732.1 (MANE Select); coding-DNA position 9467, A replaced by G.
Protein change: p.Gln3156Arg; replaces glutamine 3156 with arginine.
Molecular consequence: missense variant.
Genome position (GRCh38, 1-based): chr5:37,108,405, T>C on the plus strand (A>G on the coding strand, the complement: CPLANE1 is on the minus strand). VCF-style: chr5-37108405-T-C. GRCh37 (hg19) VCF-style: chr5-37108507-T-C.
Other names: c.9305A>G, p.Gln3102Arg (NM_023073.4); short protein forms Q3102R, Q3156R.
Identifiers: ClinVar variation 1343915 (VCV001343915.3), dbSNP rs768570313, ClinGen allele CA3237438.